The following is an entry in ClinVar:

ClinVar aggregate classification (germline): Uncertain significance (1 of 4 stars; one submission).

Conditions:
Severe X-linked myotubular myopathy (CNMX). Also called: MYOTUBULAR MYOPATHY 1; Myotubular myopathy, X-linked; X-linked centronuclear myopathy. Identifiers: Orphanet 596, MedGen C0410203, MONDO:0010683, OMIM 310400.

Submission:

Labcorp Genetics (formerly Invitae), Labcorp
Classification: Uncertain significance for Severe X-linked myotubular myopathy. Last evaluated: 2019-03-06. Review status: criteria provided, single submitter. Criteria: Invitae Variant Classification Sherloc (09022015). Collection method: clinical testing. Allele origin: germline.
Comment: This sequence change replaces histidine with proline at codon 469 of the MTM1 protein (p.His469Pro). The histidine residue is highly conserved and there is a moderate physicochemical difference between histidine and proline. This variant is not present in population databases (ExAC no frequency). This variant has been observed in an individual affected with X-linked myotubular myopathy (PMID: 9305655). ClinVar contains an entry for this variant (Variation ID: 530854). This variant has been reported to affect MTM1 protein function (PMID:12118066). In summary, the available evidence is currently insufficient to determine the role of this variant in disease. Therefore, it has been classified as a Variant of Uncertain Significance.

Literature cited by the submitters: PubMed 9305655; PubMed 12118066.

NM_000252.3(MTM1):c.1406A>C (p.His469Pro)

Gene: MTM1 (myotubularin 1; plus strand). Cytogenetic location: Xq28.
Variant type: single nucleotide variant.
Coding change: c.1406A>C on transcript NM_000252.3 (MANE Select); coding-DNA position 1406, A replaced by C.
Protein change: p.His469Pro; replaces histidine 469 with proline.
Molecular consequence: missense variant.
Genome position (GRCh38, 1-based): chrX:150,660,423, A>C. VCF-style: chrX-150660423-A-C. GRCh37 (hg19) VCF-style: chrX-149828896-A-C.
Other names: c.1406A>C, p.His469Pro (NM_001376906.1, NM_001376908.1); c.1295A>C, p.His432Pro (NM_001376907.1); short protein forms H469P, H432P.
Identifiers: ClinVar variation 530854 (VCV000530854.2), dbSNP rs587783789, ClinGen allele CA415259694.